The following is an entry in ClinVar:

ClinVar aggregate classification (germline): Conflicting classifications of pathogenicity. Review status: criteria provided, conflicting classifications (1 of 4 stars). 2 submissions from 2 submitters: Uncertain significance (1); Likely benign (1). Last evaluated 2026-01-27.

Allele frequency attached by ClinVar (database versions not stated): gnomAD exomes 0.00001; gnomAD 0.00013 and 0.00015; TOPMed 0.00017.
gnomAD v4.1: 36 of 1,564,684 alleles (0.0023%); highest among the groups gnomAD compares: African/African-American, 0.041%; no homozygotes.

Submissions (2):

Labcorp Genetics (formerly Invitae), Labcorp
Classification: Uncertain significance. Last evaluated: 2026-01-27. Review status: criteria provided, single submitter. Criteria: Invitae Variant Classification Sherloc (09022015). Collection method: clinical testing. Allele origin: germline.
Comment: This sequence change replaces valine, which is neutral and non-polar, with isoleucine, which is neutral and non-polar, at codon 975 of the ITGAM protein (p.Val975Ile). The frequency data for this variant in the population databases is considered unreliable, as metrics indicate poor data quality at this position in the gnomAD database. This variant has not been reported in the literature in individuals affected with ITGAM-related conditions. ClinVar contains an entry for this variant (Variation ID: 1414525). An algorithm developed to predict the effect of missense changes on protein structure and function outputs the following: PolyPhen-2: "Benign". The isoleucine amino acid residue is found in multiple mammalian species, which suggests that this missense change does not adversely affect protein function. In summary, the available evidence is currently insufficient to determine the role of this variant in disease. Therefore, it has been classified as a Variant of Uncertain Significance.

Ambry Genetics
Classification: Likely benign. Last evaluated: 2022-05-27. Review status: criteria provided, single submitter. Criteria: Ambry Variant Classification Scheme 2023. Collection method: clinical testing. Allele origin: germline.

NM_000632.4(ITGAM):c.2923G>A (p.Val975Ile)

Gene: ITGAM (integrin subunit alpha M; plus strand). Cytogenetic location: 16p11.2.
Variant type: single nucleotide variant.
Coding change: c.2923G>A on transcript NM_000632.4 (MANE Select); coding-DNA position 2923, G replaced by A.
Protein change: p.Val975Ile; replaces valine 975 with isoleucine.
Molecular consequence: missense variant.
Genome position (GRCh38, 1-based): chr16:31,329,852, G>A. VCF-style: chr16-31329852-G-A. GRCh37 (hg19) VCF-style: chr16-31341173-G-A.
Other names: c.2926G>A, p.Val976Ile (NM_001145808.2); c.2923G>A (NM_000632.3); short protein forms V975I, V976I.
Identifiers: ClinVar variation 1414525 (VCV001414525.9), dbSNP rs868551614, ClinGen allele CA280626890.